The following is an entry in ClinVar:

ClinVar aggregate classification (germline): Likely benign. Review status: criteria provided, multiple submitters, no conflicts (2 of 4 stars). 2 submissions from 2 submitters: Likely benign (2). Last evaluated 2024-01-02.

Conditions:
Creatine transporter deficiency (CCDS1). Also called: SLC6A8-Related Creatine Transporter Deficiency; CREATINE TRANSPORTER DEFECT; CEREBRAL CREATINE DEFICIENCY SYNDROME 1; Mental retardation , X-linked with seizures, short stature and midface hypoplasia; Mental retardation , X-linked, with creatine transport deficiency; X-linked creatine transporter deficiency. Identifiers: Orphanet 52503, MedGen C1845862, MONDO:0010305, OMIM 300352.

Submissions (2):

Labcorp Genetics (formerly Invitae), Labcorp
Classification: Likely benign for Creatine transporter deficiency. Last evaluated: 2024-01-02. Review status: criteria provided, single submitter. Criteria: Invitae Variant Classification Sherloc (09022015). Collection method: clinical testing. Allele origin: germline.

GeneDx
Classification: Likely benign. Last evaluated: 2016-02-03. Review status: criteria provided, single submitter. Criteria: GeneDx Variant Classification (06012015). Collection method: clinical testing. Allele origin: germline. Affected: yes.
Comment: This variant is considered likely benign or benign based on one or more of the following criteria: it is a conservative change, it occurs at a poorly conserved position in the protein, it is predicted to be benign by multiple in silico algorithms, and/or has population frequency not consistent with disease.

NM_005629.4(SLC6A8):c.471T>C (p.Tyr157=)

Gene: SLC6A8 (solute carrier family 6 member 8; plus strand). Cytogenetic location: Xq28.
Variant type: single nucleotide variant.
Coding change: c.471T>C on transcript NM_005629.4 (MANE Select); coding-DNA position 471, T replaced by C.
Protein change: p.Tyr157=; no amino-acid change (tyrosine 157 retained).
Molecular consequence: synonymous variant.
Genome position (GRCh38, 1-based): chrX:153,691,380, T>C. VCF-style: chrX-153691380-T-C. GRCh37 (hg19) VCF-style: chrX-152956835-T-C.
Other names: c.471T>C, p.Tyr157= (NM_001142805.2); c.126T>C, p.Tyr42= (NM_001142806.1).
Identifiers: ClinVar variation 383236 (VCV000383236.4), dbSNP rs1057521561, ClinGen allele CA16608728.
Genomic context (GRCh38, chrX:153,691,380, plus strand): 5'-CATGGTGATCGTCTTCTACTGCAACACCTACTACATCATGGTGCTGGCCTGGGGCTTCTA[T>C]TACCTGGTCAAGTCCTTTACCACCACGCTGCCCTGGGCCACATGTGGCCACACCTGGAAC-3'
Protein context (NP_005620.1, residues 147-167): YYIMVLAWGF[Tyr157=]YLVKSFTTTL